The following is an entry in ClinVar:

ClinVar aggregate classification (germline): Benign. Review status: criteria provided, multiple submitters, no conflicts (2 of 4 stars). 2 submissions from 2 submitters: Benign (2). Last evaluated 2018-01-13.

Conditions:
Congenital hyperammonemia, type I. Also called: CPS I DEFICIENCY; Carbamoyl phosphate synthetase 1 deficiency; Hyperammonemia due to carbamoyl phosphate synthetase 1 deficiency; CPS 1 deficiency; Carbamyl phosphate synthetase (CPS) deficiency; Carbamoyl phosphate synthetase I deficiency disease. Identifiers: Orphanet 147, MedGen C4082171, MONDO:0009376, OMIM 237300.

Allele frequency attached by ClinVar (database versions not stated): 1000 Genomes Project 0.26897; 1000 Genomes Project 30x 0.27811; gnomAD 0.35440 and 0.36145; TOPMed 0.35631; gnomAD exomes 0.36098.
gnomAD v4.1: 69,944 of 195,978 alleles (36%); highest among the groups gnomAD compares: Middle Eastern, 47%; 13,398 homozygotes.

Submissions (2):

Illumina Laboratory Services, Illumina
Classification: Benign for Congenital hyperammonemia, type I. Last evaluated: 2018-01-13. Review status: criteria provided, single submitter. Criteria: ICSL Variant Classification Criteria 13 December 2019. Collection method: clinical testing. Allele origin: germline.
Comment: This variant was observed in the ICSL laboratory as part of a predisposition screen in an ostensibly healthy population. It had not been previously curated by ICSL or reported in the Human Gene Mutation Database (HGMD: prior to June 1st, 2018), and was therefore a candidate for classification through an automated scoring system. Utilizing variant allele frequency, disease prevalence and penetrance estimates, and inheritance mode, an automated score was calculated to assess if this variant is too frequent to cause the disease. Based on the score and internal cut-off values, a variant classified as benign is not then subjected to further curation. The score for this variant resulted in a classification of benign for this disease.

Breakthrough Genomics
Classification: Benign. Review status: criteria provided, single submitter. Criteria: ACMG Guidelines, 2015. Collection method: not provided. Allele origin: germline. Inheritance: Autosomal recessive inheritance. Affected: yes.

NM_001875.5(CPS1):c.*438T>G

Gene: CPS1 (carbamoyl-phosphate synthase 1; plus strand). Cytogenetic location: 2q34.
Variant type: single nucleotide variant.
Coding change: c.*438T>G on transcript NM_001875.5 (MANE Select); 438 bases downstream of the stop codon, T replaced by G.
Molecular consequence: 3 prime UTR variant. On other transcripts: non-coding transcript variant (2).
Genome position (GRCh38, 1-based): chr2:210,678,423, T>G. VCF-style: chr2-210678423-T-G. GRCh37 (hg19) VCF-style: chr2-211543147-T-G.
Other names: c.*438T>G (NM_001122633.3, LRG_336t1, NM_001369256.1 and 1 more transcripts).
Identifiers: ClinVar variation 334045 (VCV000334045.6), dbSNP rs7684, ClinGen allele CA10612369.
Genomic context (GRCh38, chr2:210,678,423, plus strand): 5'-CACTATCTGCAAACTCAGGACACTTTAACAGGGCAGAATACTCTAAAAACTTGATAAAAT[T>G]AAATATAGATTTAATTTATGAACCTTCCATCATGATGTTTGTGTATTGCTTCTTTTTGGA-3'